The following is an entry in ClinVar:

ClinVar aggregate classification (germline): Likely pathogenic. Review status: criteria provided, multiple submitters, no conflicts (2 of 4 stars). 3 submissions from 3 submitters: Likely pathogenic (3). Last evaluated 2026-01-14.

Conditions:
Werner syndrome (WRN). Identifiers: Orphanet 902, MedGen C0043119, MONDO:0010196, OMIM 277700.

Allele frequency attached by ClinVar (database versions not stated): gnomAD exomes below 0.00001 and 0.00002; TOPMed below 0.00001; ExAC 0.00001; gnomAD 0.00001.
gnomAD v4.1: 7 of 1,611,546 alleles (0.00043%); highest among the groups gnomAD compares: South Asian, 0.0055%; no homozygotes.

Submissions (3):

Labcorp Genetics (formerly Invitae), Labcorp
Classification: Likely pathogenic for Werner syndrome. Last evaluated: 2026-01-14. Review status: criteria provided, single submitter. Criteria: Invitae Variant Classification Sherloc (09022015). Collection method: clinical testing. Allele origin: germline.
Comment: This sequence change affects an acceptor splice site in intron 2 of the WRN gene. It is expected to disrupt RNA splicing. Variants that disrupt the donor or acceptor splice site typically lead to a loss of protein function (PMID: 16199547), and loss-of-function variants in WRN are known to be pathogenic (PMID: 16673358). This variant is present in population databases (rs780988648, gnomAD 0.01%). This variant has not been reported in the literature in individuals affected with WRN-related conditions. ClinVar contains an entry for this variant (Variation ID: 862540). Algorithms developed to predict the effect of sequence changes on RNA splicing suggest that this variant may disrupt the consensus splice site. In summary, the currently available evidence indicates that the variant is pathogenic, but additional data are needed to prove that conclusively. Therefore, this variant has been classified as Likely Pathogenic.

Women's Health and Genetics/Laboratory Corporation of America, LabCorp
Classification: Likely pathogenic for Werner syndrome. Last evaluated: 2024-08-05. Review status: criteria provided, single submitter. Criteria: LabCorp Variant Classification Summary - May 2015. Collection method: clinical testing. Allele origin: germline.
Comment: Variant summary: WRN c.97-1G>A is located in a canonical splice-site and is predicted to affect mRNA splicing resulting in a significantly altered protein due to either exon skipping, shortening, or inclusion of intronic material. Variants that disrupt the consensus splice site are a relatively common cause of aberrant splicing and loss of WRN function. Several computational tools predict a significant impact on normal splicing: Two predict the variant abolishes a 3' acceptor site. However, these predictions have yet to be confirmed by functional studies. The variant allele was found at a frequency of 1.6e-05 in 251322 control chromosomes. To our knowledge, no occurrence of c.97-1G>A in individuals affected with Werner Syndrome and no experimental evidence demonstrating its impact on protein function have been reported. ClinVar contains an entry for this variant (Variation ID: 862540). Based on the evidence outlined above, the variant was classified as likely pathogenic.

Baylor Genetics
Classification: Likely pathogenic for Werner syndrome. Last evaluated: 2024-03-03. Review status: criteria provided, single submitter. Criteria: ACMG Guidelines, 2015. Collection method: clinical testing. Allele origin: unknown.

Literature cited by the submitters: PubMed 16199547 (cited by Labcorp Genetics (formerly Invitae), Labcorp); PubMed 16673358 (cited by Labcorp Genetics (formerly Invitae), Labcorp).

NM_000553.6(WRN):c.97-1G>A

Gene: WRN (WRN RecQ like helicase; plus strand). Cytogenetic location: 8p12.
Variant type: single nucleotide variant.
Coding change: c.97-1G>A on transcript NM_000553.6 (MANE Select); the canonical splice acceptor site of the intron before coding-DNA position 97, G replaced by A.
Molecular consequence: splice acceptor variant.
Genome position (GRCh38, 1-based): chr8:31,059,152, G>A. VCF-style: chr8-31059152-G-A. GRCh37 (hg19) VCF-style: chr8-30916668-G-A.
Identifiers: ClinVar variation 862540 (VCV000862540.10), dbSNP rs780988648, ClinGen allele CA4703982.
Genomic context (GRCh38, chr8:31,059,152, plus strand): 5'-CAGTGAACATTTGTTATTTGATGTGAACTTTGTGCCTGTTTTGAAATTTACTAAACTCAA[G>A]GCATGTGTTCGGAAGAGTGTTTTTGAAGATGACCTCCCCTTCTTAGAATTCACTGGATCC-3'